The following is an entry in ClinVar:

ClinVar aggregate classification (germline): Likely benign. Review status: criteria provided, multiple submitters, no conflicts (2 of 4 stars). 7 submissions from 7 submitters: Likely benign (6). 1 of the submissions does not count toward it. Last evaluated 2026-02-20.

Conditions:
TTN-related disorder. Also called: TTN-related condition; TTN-related disease; TTN-related disorders.
Cardiovascular phenotype. Identifiers: MedGen CN230736.
Autosomal recessive limb-girdle muscular dystrophy type 2J (LGMDR10). Also called: Limb-girdle muscular dystrophy, type 2J; MUSCULAR DYSTROPHY, LIMB-GIRDLE, AUTOSOMAL RECESSIVE 10. Identifiers: Orphanet 140922, MedGen C1837342, MONDO:0012127, OMIM 608807.
Dilated cardiomyopathy 1G (CMD1G). Identifiers: Orphanet 154, MedGen C1858763, MONDO:0011400, OMIM 604145.

Allele frequency attached by ClinVar (database versions not stated): ExAC 0.00002; TOPMed 0.00003.
gnomAD v4.1: 19 of 1,613,578 alleles (0.0012%); highest among the groups gnomAD compares: Non-Finnish European, 0.0015%; no homozygotes.

Submissions (7):

Women's Health and Genetics/Laboratory Corporation of America, LabCorp
Classification: Likely benign. Last evaluated: 2026-02-20. Review status: criteria provided, single submitter. Criteria: LabCorp Variant Classification Summary - May 2015. Collection method: clinical testing. Allele origin: germline.

Ambry Genetics
Classification: Likely benign for Cardiovascular phenotype. Last evaluated: 2025-09-25. Review status: criteria provided, single submitter. Criteria: Ambry Variant Classification Scheme 2023. Collection method: clinical testing. Allele origin: germline.

Labcorp Genetics (formerly Invitae), Labcorp
Classification: Likely benign for Dilated cardiomyopathy 1G; Autosomal recessive limb-girdle muscular dystrophy type 2J. Last evaluated: 2025-04-11. Review status: criteria provided, single submitter. Criteria: Invitae Variant Classification Sherloc (09022015). Collection method: clinical testing. Allele origin: germline.

Blueprint Genetics
Classification: Likely benign. Last evaluated: 2023-11-20. Review status: criteria provided, single submitter. Criteria: ACMG Guidelines, 2015. Collection method: clinical testing. Allele origin: germline.

CeGaT Center for Human Genetics Tuebingen
Classification: Likely benign. Last evaluated: 2023-07-01. Review status: criteria provided, single submitter. Criteria: CeGaT Center For Human Genetics Tuebingen Variant Classification Criteria Version 2. Collection method: clinical testing. Allele origin: germline. Affected: yes. Observed: 2 variant alleles.
Comment: TTN: BP4, BP7

Laboratory for Molecular Medicine, Mass General Brigham Personalized Medicine
Classification: Likely benign. Last evaluated: 2014-12-31. Review status: criteria provided, single submitter. Criteria: LMM Criteria. Collection method: clinical testing. Allele origin: germline. Observed: 1 variant allele.
Comment: p.Thr24967Thr in exon 275 of TTN: This variant is not expected to have clinical significance because it does not alter an amino acid residue and is not located within the splice consensus sequence. It has been identified in 1/16628 South As ian chromosomes by the Exome Aggregation Consortium (ExAC).

PreventionGenetics, part of Exact Sciences
Classification: Likely benign for TTN-related condition. Last evaluated: 2021-01-05. Review status: no assertion criteria provided. Collection method: clinical testing. Allele origin: germline. Not counted in ClinVar's aggregate classification.
Comment: This variant is classified as likely benign based on ACMG/AMP sequence variant interpretation guidelines (Richards et al. 2015 PMID: 25741868, with internal and published modifications).

NM_001267550.2(TTN):c.82605C>T (p.Thr27535=)

Genes: TTN (titin; minus strand), TTN-AS1 (TTN antisense RNA 1; plus strand). Cytogenetic location: 2q31.2.
Variant type: single nucleotide variant.
Coding change: c.82605C>T on transcript NM_001267550.2 (MANE Select); coding-DNA position 82605, C replaced by T.
Protein change: p.Thr27535=; no amino-acid change (threonine 27535 retained).
Molecular consequence: synonymous variant.
Genome position (GRCh38, 1-based): chr2:178,563,527, G>A on the plus strand (C>T on the coding strand, the complement: TTN is on the minus strand). VCF-style: chr2-178563527-G-A. GRCh37 (hg19) VCF-style: chr2-179428254-G-A.
Other names: c.77682C>T, p.Thr25894= (NM_001256850.1); c.55410C>T, p.Thr18470= (NM_003319.4); c.55785C>T, p.Thr18595= (NM_133432.3); c.55986C>T, p.Thr18662= (NM_133437.4); c.74901C>T, p.Thr24967= (NM_133378.4).
Identifiers: ClinVar variation 228151 (VCV000228151.57), dbSNP rs772246177, ClinGen allele CA1989043.
Genomic context (GRCh38, chr2:178,563,527, plus strand): 5'-AGGTTCTCCCACACCAGCTGCATTTTCAGCAGCAACTCTGAATTCATAGGAATGGCCTTC[G>A]GTAAGACCAGTTACCCTGAGCCGCAGATCCGTTAATGTTTTCTTGTTGCACTTGGTCCAT-3'
Protein context (NP_001254479.2, residues 27525-27545): TDLRLRVTGL[Thr27535=]EGHSYEFRVA